The following is an entry in ClinVar:

NM_001161352.2(KCNMA1):c.122C>A (p.Ser41Tyr)

Gene: KCNMA1 (potassium calcium-activated channel subfamily M alpha 1; minus strand). Cytogenetic location: 10q22.3.
Variant type: single nucleotide variant.
Coding change: c.122C>A on transcript NM_001161352.2 (MANE Select); coding-DNA position 122, C replaced by A.
Protein change: p.Ser41Tyr; replaces serine 41 with tyrosine.
Molecular consequence: missense variant.
Genome position (GRCh38, 1-based): chr10:77,637,521, G>T on the plus strand (C>A on the coding strand, the complement: KCNMA1 is on the minus strand). VCF-style: chr10-77637521-G-T. GRCh37 (hg19) VCF-style: chr10-79397279-G-T.
Other names: c.122C>A, p.Ser41Tyr (NM_001014797.3, NM_001161353.2, NM_001271518.2 and 13 more transcripts); short protein forms S41Y.
Identifiers: ClinVar variation 3713196 (VCV003713196.2).
Genomic context (GRCh38, chr10:77,637,521, plus strand): 5'-ACCGAGGACGAGGAGGAAGAGGAGGAGGAAGAAGAAGAAGAGGAAGAGGAGGAGGAGGAG[G>T]AGGAGGACGCGTCTAGGCTGAGATGGTTCGCGTGGATATTGCTACTCATTCTAAGACTGC-3'
Protein context (NP_001154824.1, residues 31-51): ANHLSLDASS[Ser41Tyr]SSSSSSSSSS

ClinVar aggregate classification (germline): Uncertain significance (1 of 4 stars; one submission).

Conditions:
Generalized epilepsy-paroxysmal dyskinesia syndrome (PNKD3). Also called: Generalized epilepsy and paroxysmal dyskinesia; Paroxysmal nonkinesigenic dyskinesia, 3, with or without generalized epilepsy. Identifiers: Orphanet 79137, MedGen C5574945, MONDO:0012276, OMIM 609446.

gnomAD v4.1: 2 of 1,563,900 alleles (0.00013%); highest among the groups gnomAD compares: Non-Finnish European, 0.00017%; no homozygotes.

Submission:

Labcorp Genetics (formerly Invitae), Labcorp
Classification: Uncertain significance for Generalized epilepsy-paroxysmal dyskinesia syndrome. Last evaluated: 2025-08-20. Review status: criteria provided, single submitter. Criteria: Invitae Variant Classification Sherloc (09022015). Collection method: clinical testing. Allele origin: germline.
Comment: This sequence change replaces serine, which is neutral and polar, with tyrosine, which is neutral and polar, at codon 41 of the KCNMA1 protein (p.Ser41Tyr). This variant is not present in population databases (gnomAD no frequency). This variant has not been reported in the literature in individuals affected with KCNMA1-related conditions. ClinVar contains an entry for this variant (Variation ID: 3713196). An algorithm developed to predict the effect of missense changes on protein structure and function (PolyPhen-2) suggests that this variant is likely to be disruptive. In summary, the available evidence is currently insufficient to determine the role of this variant in disease. Therefore, it has been classified as a Variant of Uncertain Significance.